The following is an entry in ClinVar:

NM_001370259.2(MEN1):c.86G>T (p.Arg29Leu)

Gene: MEN1 (menin 1; minus strand). Cytogenetic location: 11q13.1.
Variant type: single nucleotide variant.
Coding change: c.86G>T on transcript NM_001370259.2 (MANE Select); coding-DNA position 86, G replaced by T.
Protein change: p.Arg29Leu; replaces arginine 29 with leucine.
Molecular consequence: missense variant. On other transcripts: non-coding transcript variant (4).
Genome position (GRCh38, 1-based): chr11:64,810,024, C>A on the plus strand (G>T on the coding strand, the complement: MEN1 is on the minus strand). VCF-style: chr11-64810024-C-A. GRCh37 (hg19) VCF-style: chr11-64577496-C-A.
Other names: c.86G>T, p.Arg29Leu (NM_000244.4, NM_001370251.2, NM_001370260.2 and 20 more transcripts); short protein forms R29L.
Identifiers: ClinVar variation 4800436 (VCV004800436.1).

ClinVar aggregate classification (germline): Uncertain significance (1 of 4 stars; one submission).

Conditions:
Multiple endocrine neoplasia, type 1 (MEN1). Also called: MEA I; MEN I; WERMER SYNDROME; Endocrine adenomatosis multiple; MEN 1. Identifiers: Orphanet 652, MedGen C0025267, MeSH D018761, MONDO:0007540, OMIM 131100.

Submission:

Labcorp Genetics (formerly Invitae), Labcorp
Classification: Uncertain significance for Multiple endocrine neoplasia, type 1. Last evaluated: 2025-09-09. Review status: criteria provided, single submitter. Criteria: Invitae Variant Classification Sherloc (09022015). Collection method: clinical testing. Allele origin: germline.
Comment: This sequence change replaces arginine, which is basic and polar, with leucine, which is neutral and non-polar, at codon 29 of the MEN1 protein (p.Arg29Leu). This variant is not present in population databases (gnomAD no frequency). This variant has not been reported in the literature in individuals affected with MEN1-related conditions. Invitae Evidence Modeling of protein sequence and biophysical properties (such as structural, functional, and spatial information, amino acid conservation, physicochemical variation, residue mobility, and thermodynamic stability) has been performed for this missense variant. However, the output from this modeling did not meet the statistical confidence thresholds required to predict the impact of this variant on MEN1 protein function. In summary, the available evidence is currently insufficient to determine the role of this variant in disease. Therefore, it has been classified as a Variant of Uncertain Significance.